The following is an entry in ClinVar:

NM_001184.4(ATR):c.2227A>G (p.Arg743Gly)

Gene: ATR (ATR checkpoint kinase; minus strand). Cytogenetic location: 3q23.
Variant type: single nucleotide variant.
Coding change: c.2227A>G on transcript NM_001184.4 (MANE Select); coding-DNA position 2227, A replaced by G.
Protein change: p.Arg743Gly; replaces arginine 743 with glycine.
Molecular consequence: missense variant.
Genome position (GRCh38, 1-based): chr3:142,555,991, T>C on the plus strand (A>G on the coding strand, the complement: ATR is on the minus strand). VCF-style: chr3-142555991-T-C. GRCh37 (hg19) VCF-style: chr3-142274833-T-C.
Other names: c.2035A>G, p.Arg679Gly (NM_001354579.2); short protein forms R679G, R743G.
Identifiers: ClinVar variation 1788011 (VCV001788011.2), dbSNP rs144835955, ClinGen allele CA2650403.

ClinVar aggregate classification (germline): Uncertain significance (1 of 4 stars; one submission).

Conditions:
Inborn genetic diseases. Identifiers: MedGen C0950123, MeSH D030342.

Allele frequency attached by ClinVar (database versions not stated): gnomAD exomes below 0.00001; TOPMed 0.00001; ExAC 0.00002; gnomAD 0.00003; ESP Exome Variant Server 0.00015.
gnomAD v4.1: 6 of 1,614,002 alleles (0.00037%); highest among the groups gnomAD compares: African/African-American, 0.008%; no homozygotes.

Submission:

Ambry Genetics
Classification: Uncertain significance for Inborn genetic diseases. Last evaluated: 2021-11-27. Review status: criteria provided, single submitter. Criteria: Ambry Variant Classification Scheme 2023. Collection method: clinical testing. Allele origin: germline.
Comment: The p.R743G variant (also known as c.2227A>G), located in coding exon 10 of the ATR gene, results from an A to G substitution at nucleotide position 2227. The arginine at codon 743 is replaced by glycine, an amino acid with dissimilar properties. This amino acid position is conserved. In addition, this alteration is predicted to be tolerated by in silico analysis. Since supporting evidence is limited at this time, the clinical significance of this alteration remains unclear.